The following is an entry in ClinVar:

NM_000214.3(JAG1):c.1320C>T (p.Pro440=)

Gene: JAG1 (jagged canonical Notch ligand 1; minus strand). Cytogenetic location: 20p12.2.
Variant type: single nucleotide variant.
Coding change: c.1320C>T on transcript NM_000214.3 (MANE Select); coding-DNA position 1320, C replaced by T.
Protein change: p.Pro440=; no amino-acid change (proline 440 retained).
Molecular consequence: synonymous variant.
Genome position (GRCh38, 1-based): chr20:10,649,550, G>A on the plus strand (C>T on the coding strand, the complement: JAG1 is on the minus strand). VCF-style: chr20-10649550-G-A. GRCh37 (hg19) VCF-style: chr20-10630198-G-A.
Other names: c.1320C>T (NM_000214.2).
Identifiers: ClinVar variation 2194641 (VCV002194641.6), dbSNP rs753233749, ClinGen allele CA9764917.

ClinVar aggregate classification (germline): Likely benign. Review status: criteria provided, multiple submitters, no conflicts (2 of 4 stars). 3 submissions from 3 submitters: Likely benign (2). 1 of the submissions does not count toward it. Last evaluated 2025-09-21.

Conditions:
Alagille syndrome due to a JAG1 point mutation. Also called: Alagille Syndrome 1; HEPATIC DUCTULAR HYPOPLASIA, SYNDROMATIC; JAG1-Related Alagille Syndrome. Identifiers: Orphanet 261619, Orphanet 52, MedGen C1956125, MONDO:0016862, OMIM 118450.
JAG1-related disorder. Also called: JAG1-related disorders; JAG1-related condition.
Cardiovascular phenotype. Identifiers: MedGen CN230736.

Allele frequency attached by ClinVar (database versions not stated): ExAC 0.00002; gnomAD 0.00002; TOPMed 0.00002.
gnomAD v4.1: 30 of 1,612,276 alleles (0.0019%); highest among the groups gnomAD compares: African/African-American, 0.0067%; no homozygotes.

Submissions (3):

Labcorp Genetics (formerly Invitae), Labcorp
Classification: Likely benign for Alagille syndrome due to a JAG1 point mutation. Last evaluated: 2025-09-21. Review status: criteria provided, single submitter. Criteria: Invitae Variant Classification Sherloc (09022015). Collection method: clinical testing. Allele origin: germline.

Ambry Genetics
Classification: Likely benign for Cardiovascular phenotype. Last evaluated: 2025-07-09. Review status: criteria provided, single submitter. Criteria: Ambry Variant Classification Scheme 2023. Collection method: clinical testing. Allele origin: germline.

PreventionGenetics, part of Exact Sciences
Classification: Likely benign for JAG1-related condition. Last evaluated: 2024-07-15. Review status: no assertion criteria provided. Collection method: clinical testing. Allele origin: germline. Not counted in ClinVar's aggregate classification.
Comment: This variant is classified as likely benign based on ACMG/AMP sequence variant interpretation guidelines (Richards et al. 2015 PMID: 25741868, with internal and published modifications).